The following is an entry in ClinVar:

ClinVar aggregate classification (germline): Pathogenic (1 of 4 stars; one submission).

Submission:

Labcorp Genetics (formerly Invitae), Labcorp
Classification: Pathogenic. Last evaluated: 2023-12-09. Review status: criteria provided, single submitter. Criteria: Invitae Variant Classification Sherloc (09022015). Collection method: clinical testing. Allele origin: germline.
Comment: This sequence change replaces aspartic acid, which is acidic and polar, with valine, which is neutral and non-polar, at codon 155 of the ABCA4 protein (p.Asp155Val). This variant is not present in population databases (gnomAD no frequency). This missense change has been observed in individual(s) with Stargardt disease (PMID: 28559085). In at least one individual the data is consistent with being in trans (on the opposite chromosome) from a pathogenic variant. Advanced modeling of protein sequence and biophysical properties (such as structural, functional, and spatial information, amino acid conservation, physicochemical variation, residue mobility, and thermodynamic stability) performed at Invitae indicates that this missense variant is expected to disrupt ABCA4 protein function with a positive predictive value of 95%. For these reasons, this variant has been classified as Pathogenic.

Literature cited by the submitters: PubMed 28559085.

NM_000350.3(ABCA4):c.464A>T (p.Asp155Val)

Gene: ABCA4 (ATP binding cassette subfamily A member 4; minus strand). Cytogenetic location: 1p22.1.
Variant type: single nucleotide variant.
Coding change: c.464A>T on transcript NM_000350.3 (MANE Select); coding-DNA position 464, A replaced by T.
Protein change: p.Asp155Val; replaces aspartic acid 155 with valine.
Molecular consequence: missense variant.
Genome position (GRCh38, 1-based): chr1:94,103,121, T>A on the plus strand (A>T on the coding strand, the complement: ABCA4 is on the minus strand). VCF-style: chr1-94103121-T-A. GRCh37 (hg19) VCF-style: chr1-94568677-T-A.
Other names: c.464A>T, p.Asp155Val (NM_001425324.1); short protein forms D155V.
Identifiers: ClinVar variation 2910123 (VCV002910123.3), dbSNP rs2523980415, ClinGen allele CA341291333.